The following is an entry in ClinVar:

NM_012470.4(TNPO3):c.1611C>G (p.His537Gln)

Gene: TNPO3 (transportin 3; minus strand). Cytogenetic location: 7q32.1.
Variant type: single nucleotide variant.
Coding change: c.1611C>G on transcript NM_012470.4 (MANE Select); coding-DNA position 1611, C replaced by G.
Protein change: p.His537Gln; replaces histidine 537 with glutamine.
Molecular consequence: missense variant. On other transcripts: non-coding transcript variant (18), intron variant (2).
Genome position (GRCh38, 1-based): chr7:128,986,808, G>C on the plus strand (C>G on the coding strand, the complement: TNPO3 is on the minus strand). VCF-style: chr7-128986808-G-C. GRCh37 (hg19) VCF-style: chr7-128626862-G-C.
Other names: c.1713C>G, p.His571Gln (NM_001382216.1); c.1692C>G, p.His564Gln (NM_001382217.1); c.1611C>G, p.His537Gln (NM_001382218.1, NM_001382220.1); c.1503C>G, p.His501Gln (NM_001382219.1); c.1467C>G, p.His489Gln (NM_001382221.1); c.1464C>G, p.His488Gln (NM_001382222.1); c.1499-2549C>G (NM_001382223.1, NM_001191028.3); short protein forms H488Q, H571Q, H489Q, H537Q, H501Q, H564Q.
Identifiers: ClinVar variation 2779314 (VCV002779314.3), dbSNP rs762458456, ClinGen allele CA4478097.

ClinVar aggregate classification (germline): Uncertain significance (1 of 4 stars; one submission).

Conditions:
Autosomal dominant limb-girdle muscular dystrophy type 1F (LGMDD2). Also called: Limb-girdle muscular dystrophy, type 1F; MUSCULAR DYSTROPHY, LIMB-GIRDLE, AUTOSOMAL DOMINANT 2. Identifiers: Orphanet 55595, MedGen C1842062, MONDO:0012034, OMIM 608423.

Allele frequency attached by ClinVar (database versions not stated): ExAC 0.00002; gnomAD exomes 0.00001.

Submission:

Labcorp Genetics (formerly Invitae), Labcorp
Classification: Uncertain significance for Autosomal dominant limb-girdle muscular dystrophy type 1F. Last evaluated: 2023-09-25. Review status: criteria provided, single submitter. Criteria: Invitae Variant Classification Sherloc (09022015). Collection method: clinical testing. Allele origin: germline.
Comment: In summary, the available evidence is currently insufficient to determine the role of this variant in disease. Therefore, it has been classified as a Variant of Uncertain Significance. Advanced modeling of protein sequence and biophysical properties (such as structural, functional, and spatial information, amino acid conservation, physicochemical variation, residue mobility, and thermodynamic stability) performed at Invitae indicates that this missense variant is not expected to disrupt TNPO3 protein function. This variant has not been reported in the literature in individuals affected with TNPO3-related conditions. This variant is present in population databases (rs762458456, gnomAD 0.01%). This sequence change replaces histidine, which is basic and polar, with glutamine, which is neutral and polar, at codon 537 of the TNPO3 protein (p.His537Gln).